The following is an entry in ClinVar:

NM_001330700.2(TOP2B):c.761A>T (p.Lys254Met)

Gene: TOP2B (DNA topoisomerase II beta; minus strand). Cytogenetic location: 3p24.2.
Variant type: single nucleotide variant.
Coding change: c.761A>T on transcript NM_001330700.2 (MANE Select); coding-DNA position 761, A replaced by T.
Protein change: p.Lys254Met; replaces lysine 254 with methionine.
Molecular consequence: missense variant.
Genome position (GRCh38, 1-based): chr3:25,636,027, T>A on the plus strand (A>T on the coding strand, the complement: TOP2B is on the minus strand). VCF-style: chr3-25636027-T-A. GRCh37 (hg19) VCF-style: chr3-25677518-T-A.
Other names: c.746A>T, p.Lys249Met (NM_001068.3); short protein forms K249M, K254M.
Identifiers: ClinVar variation 3616135 (VCV003616135.2).
Genomic context (GRCh38, chr3:25,636,027, plus strand): 5'-ACCCCTCTACACGAACCAGCCAAATCATATGCCCTTCTAGTCATGAGGGCCACAATATCC[T>A]TGTCAAGTTTTTCCATCTTAAATTTGGACAGATCTGGTTGGAATGTTATGCATGTGTAAT-3'
Protein context (NP_001317629.1, residues 244-264): LSKFKMEKLD[Lys254Met]DIVALMTRRA

ClinVar aggregate classification (germline): Uncertain significance (1 of 4 stars; one submission).

gnomAD v4.1: 10 of 1,613,384 alleles (0.00062%); highest among the groups gnomAD compares: Non-Finnish European, 0.00085%; no homozygotes.

Submission:

Labcorp Genetics (formerly Invitae), Labcorp
Classification: Uncertain significance. Last evaluated: 2024-09-29. Review status: criteria provided, single submitter. Criteria: Invitae Variant Classification Sherloc (09022015). Collection method: clinical testing. Allele origin: germline.
Comment: This sequence change replaces lysine, which is basic and polar, with methionine, which is neutral and non-polar, at codon 249 of the TOP2B protein (p.Lys249Met). This variant is present in population databases (no rsID available, gnomAD 0.0009%). This variant has not been reported in the literature in individuals affected with TOP2B-related conditions. An algorithm developed to predict the effect of missense changes on protein structure and function (PolyPhen-2) suggests that this variant is likely to be disruptive. In summary, the available evidence is currently insufficient to determine the role of this variant in disease. Therefore, it has been classified as a Variant of Uncertain Significance.